The following is an entry in ClinVar:

NM_001386094.1(AGBL1):c.489-10C>T

Gene: AGBL1 (AGBL carboxypeptidase 1; plus strand). Cytogenetic location: 15q25.3.
Variant type: single nucleotide variant.
Coding change: c.489-10C>T on transcript NM_001386094.1 (MANE Select); 10 bases into the intron before coding-DNA position 489, C replaced by T.
Molecular consequence: intron variant.
Genome position (GRCh38, 1-based): chr15:86,224,904, C>T. VCF-style: chr15-86224904-C-T. GRCh37 (hg19) VCF-style: chr15-86768135-C-T.
Other names: c.489-10C>T (NM_152336.4).
Identifiers: ClinVar variation 3038387 (VCV003038387.2), dbSNP rs79987050, ClinGen allele CA7715371.

ClinVar aggregate classification (germline): Benign (0 of 4 stars; one submission).

Conditions:
AGBL1-related disorder. Also called: AGBL1-related condition.

Allele frequency attached by ClinVar (database versions not stated): 1000 Genomes Project 0.00899; ESP Exome Variant Server 0.00929; TOPMed 0.00966; 1000 Genomes Project 30x 0.00968; gnomAD 0.01048; ExAC 0.01432; gnomAD exomes 0.01470.
gnomAD v4.1: 22,969 of 1,613,060 alleles (1.4%); highest among the groups gnomAD compares: South Asian, 2.4%; 215 homozygotes.

Submission:

PreventionGenetics, part of Exact Sciences
Classification: Benign for AGBL1-related condition. Last evaluated: 2019-03-15. Review status: no assertion criteria provided. Collection method: clinical testing. Allele origin: germline.
Comment: This variant is classified as benign based on ACMG/AMP sequence variant interpretation guidelines (Richards et al. 2015 PMID: 25741868, with internal and published modifications).